The following is an entry in ClinVar:

NM_012123.4(MTO1):c.1334G>T (p.Gly445Val)

Gene: MTO1 (mitochondrial tRNA translation optimization 1; plus strand). Cytogenetic location: 6q13.
Variant type: single nucleotide variant.
Coding change: c.1334G>T on transcript NM_012123.4 (MANE Select); coding-DNA position 1334, G replaced by T.
Protein change: p.Gly445Val; replaces glycine 445 with valine.
Molecular consequence: missense variant.
Genome position (GRCh38, 1-based): chr6:73,482,113, G>T. VCF-style: chr6-73482113-G-T. GRCh37 (hg19) VCF-style: chr6-74191836-G-T.
Other names: c.1454G>T, p.Gly485Val (NM_001123226.2); c.1409G>T, p.Gly470Val (NM_133645.3); c.1454G>T (NM_001123226.1); short protein forms G445V, G485V, G470V.
Identifiers: ClinVar variation 1352572 (VCV001352572.5), dbSNP rs202008685, ClinGen allele CA3889620.

ClinVar aggregate classification (germline): Uncertain significance. Review status: criteria provided, multiple submitters, no conflicts (2 of 4 stars). 2 submissions from 2 submitters: Uncertain significance (2). Last evaluated 2024-11-23.

Conditions:
Mitochondrial hypertrophic cardiomyopathy with lactic acidosis due to MTO1 deficiency. Also called: CARDIOMYOPATHY, INFANTILE HYPERTROPHIC MITOCHONDRIAL, AND LACTIC ACIDOSIS; Combined oxidative phosphorylation deficiency 10. Identifiers: Orphanet 314637, MedGen C4749921, MONDO:0013865, OMIM 614702.
Inborn genetic diseases. Identifiers: MedGen C0950123, MeSH D030342.

Allele frequency attached by ClinVar (database versions not stated): TOPMed 0.00003; gnomAD 0.00005 and 0.00006; 1000 Genomes Project 30x 0.00016; 1000 Genomes Project 0.00020.
gnomAD v4.1: 103 of 1,614,176 alleles (0.0064%); highest among the groups gnomAD compares: Non-Finnish European, 0.0075%; no homozygotes.

Submissions (2):

Labcorp Genetics (formerly Invitae), Labcorp
Classification: Uncertain significance for Mitochondrial hypertrophic cardiomyopathy with lactic acidosis due to MTO1 deficiency. Last evaluated: 2024-11-23. Review status: criteria provided, single submitter. Criteria: Invitae Variant Classification Sherloc (09022015). Collection method: clinical testing. Allele origin: germline.
Comment: This sequence change replaces glycine, which is neutral and non-polar, with valine, which is neutral and non-polar, at codon 445 of the MTO1 protein (p.Gly445Val). This variant is present in population databases (rs202008685, gnomAD 0.02%). This variant has not been reported in the literature in individuals affected with MTO1-related conditions. ClinVar contains an entry for this variant (Variation ID: 1352572). Invitae Evidence Modeling of protein sequence and biophysical properties (such as structural, functional, and spatial information, amino acid conservation, physicochemical variation, residue mobility, and thermodynamic stability) has been performed for this missense variant. However, the output from this modeling did not meet the statistical confidence thresholds required to predict the impact of this variant on MTO1 protein function. In summary, the available evidence is currently insufficient to determine the role of this variant in disease. Therefore, it has been classified as a Variant of Uncertain Significance.

Ambry Genetics
Classification: Uncertain significance for Inborn genetic diseases. Last evaluated: 2022-12-19. Review status: criteria provided, single submitter. Criteria: Ambry Variant Classification Scheme 2023. Collection method: clinical testing. Allele origin: germline.